The following is an entry in ClinVar:

NM_001267550.2(TTN):c.84553C>T (p.Arg28185Ter)

Genes: TTN (titin; minus strand), TTN-AS1 (TTN antisense RNA 1; plus strand). Cytogenetic location: 2q31.2.
Variant type: single nucleotide variant.
Coding change: c.84553C>T on transcript NM_001267550.2 (MANE Select); coding-DNA position 84553, C replaced by T.
Protein change: p.Arg28185Ter; replaces arginine 28185 with a stop codon.
Molecular consequence: nonsense.
Genome position (GRCh38, 1-based): chr2:178,561,579, G>A on the plus strand (C>T on the coding strand, the complement: TTN is on the minus strand). VCF-style: chr2-178561579-G-A. GRCh37 (hg19) VCF-style: chr2-179426306-G-A.
Other names: c.76849C>T, p.Arg25617Ter (NM_133378.4); c.79630C>T, p.Arg26544Ter (NM_001256850.1); c.57358C>T, p.Arg19120Ter (NM_003319.4); c.57733C>T, p.Arg19245Ter (NM_133432.3); c.57934C>T, p.Arg19312Ter (NM_133437.4); short protein forms R28185*, R25617*, R19245*, R26544*, R19120*, R19312*.
Identifiers: ClinVar variation 47439 (VCV000047439.12), dbSNP rs397517729, ClinGen allele CA141001.
Genomic context (GRCh38, chr2:178,561,579, plus strand): 5'-TTGCTTTTGACCAAAGAATGCTGCTTCTTTCTTTATACTCAAGATGATAGCCAATTACTC[G>A]ACTTCCTCCATCATTAACTGGCACTTGCCAGGTTACAAGCATGGTAGATTTTGTGGCATG-3'

ClinVar aggregate classification (germline): Likely pathogenic. Review status: criteria provided, multiple submitters, no conflicts (2 of 4 stars). 5 submissions from 5 submitters: Likely pathogenic (4). 1 of the submissions does not count toward it. Last evaluated 2026-01-21.

Conditions:
Cardiovascular phenotype. Identifiers: MedGen CN230736.
Dilated cardiomyopathy 1G (CMD1G). Identifiers: Orphanet 154, MedGen C1858763, MONDO:0011400, OMIM 604145.
Autosomal recessive limb-girdle muscular dystrophy type 2J (LGMDR10). Also called: MUSCULAR DYSTROPHY, LIMB-GIRDLE, AUTOSOMAL RECESSIVE 10; Limb-girdle muscular dystrophy, type 2J. Identifiers: Orphanet 140922, MedGen C1837342, MONDO:0012127, OMIM 608807.
Primary familial dilated cardiomyopathy (FDC). Also called: Hypokinetic dilated cardiomyopathy, familial; Familial dilated cardiomyopathy. Identifiers: Orphanet 217607, MedGen C0340427, MONDO:0016333.

Allele frequency attached by ClinVar (database versions not stated): gnomAD exomes below 0.00001.
gnomAD v4.1: 1 of 1,613,114 alleles (0.000062%); highest among the groups gnomAD compares: Middle Eastern, 0.017%; no homozygotes.

Submissions (5):

Ambry Genetics
Classification: Likely pathogenic for Cardiovascular phenotype. Last evaluated: 2026-01-21. Review status: criteria provided, single submitter. Criteria: Ambry Variant Classification Scheme 2023. Collection method: clinical testing. Allele origin: germline.
Comment: The c.57358C>T (p.R19120*) alteration, located in exon 154 (coding exon 153) of the TTN gene, consists of a C to T substitution at nucleotide position 57358. This changes the amino acid from a arginine (R) to a stop codon at amino acid position 19120. This variant is expected to result in loss of function by premature protein truncation or nonsense-mediated mRNA decay. This variant was not reported in population-based cohorts in the Genome Aggregation Database (gnomAD). This exon is located in the A-band region of the N2-B isoform of the titin protein and is constitutively expressed in TTN transcripts (percent spliced in or PSI 100%). While truncating variants in TTN are present in 1-3% of the general population, truncating variants in the A-band are the most common cause of dilated cardiomyopathy (Herman, 2012; Roberts, 2015). TTN truncating variants encoded in constitutive exons (PSI >90%) have been found to be significantly associated with DCM regardless of their position in titin (Schafer, 2017; Akhtar, 2020; Massier, 2025). Based on the available evidence, this alteration is classified as likely pathogenic.

Women's Health and Genetics/Laboratory Corporation of America, LabCorp
Classification: Likely pathogenic for Primary familial dilated cardiomyopathy. Last evaluated: 2024-12-17. Review status: criteria provided, single submitter. Criteria: LabCorp Variant Classification Summary - May 2015. Collection method: clinical testing. Allele origin: germline.
Comment: Variant summary: TTN NM_133378: c.76849C>T (p.Arg25617X) (also known as NM_001267550: c.84553C>T; p.Arg28185X ) results in a premature termination codon, predicted to cause a truncation of the encoded protein or absence of the protein due to nonsense mediated decay. Loss of function variants in all TTN bands are strongly associated with a spectrum of autosomal recessive titinopathies when exon expression (proportion spliced in, PSI, 1=complete expression) in skeletal muscle is >0.1 (PMID: 36977548, 39198997, 29598826, 32778822, 29691892, 33449170, 36977548, internal data). In contrast, loss of function variants in all TTN bands are only strongly associated with autosomal dominant TTN-related cardiomyopathies if located in exons constitutively expressed (PSI >0.9) in cardiac muscle, excluding extreme C-terminal exons 359-363 (PMID: 25589632, 31216868, 32964742, 34662387, 27869827, Shetty et al., Nat Cardiovasc Res 2024,, internal data). This variant has a maximum skeletal muscle PSI of 0.968 and a maximum cardiac muscle PSI of 1.0. The variant was absent in 247794 control chromosomes (gnomAD). c.76849C>T has been reported in the literature without strong evidence for or against pathogenicity (examples: Connell_2021, Elfaith_2024). These report(s) do not provide unequivocal conclusions about association of the variant with Dilated Cardiomyopathy. To our knowledge, no experimental evidence demonstrating an impact on protein function has been reported. The following publications have been ascertained in the context of this evaluation (PMID: 33226272, 39020067). ClinVar contains an entry for this variant (Variation ID: 47439). Based on the evidence outlined above, the variant was classified as likely pathogenic for both autosomal dominant and autosomal recessive TTN-related conditions.

Institute of Human Genetics, Heidelberg University
Classification: Likely pathogenic for Dilated cardiomyopathy 1G. Last evaluated: 2024-07-18. Review status: criteria provided, single submitter. Criteria: ACMG Guidelines, 2015. Collection method: clinical testing. Allele origin: paternal.
Comment: secondary finding

Labcorp Genetics (formerly Invitae), Labcorp
Classification: Likely pathogenic for Dilated cardiomyopathy 1G; Autosomal recessive limb-girdle muscular dystrophy type 2J. Last evaluated: 2024-02-13. Review status: criteria provided, single submitter. Criteria: Invitae Variant Classification Sherloc (09022015). Collection method: clinical testing. Allele origin: germline.
Comment: This sequence change creates a premature translational stop signal (p.Arg28185*) in the TTN gene. While this is not anticipated to result in nonsense mediated decay, it is expected to create a truncated TTN protein. This variant is not present in population databases (gnomAD no frequency). This variant has not been reported in the literature in individuals affected with TTN-related conditions. ClinVar contains an entry for this variant (Variation ID: 47439). This variant is located in the A band of TTN (PMID: 25589632). Truncating variants in this region are significantly overrepresented in patients affected with dilated cardiomyopathy (PMID: 25589632). Truncating variants in this region have also been reported in individuals affected with autosomal recessive centronuclear myopathy (PMID: 23975875). In summary, the currently available evidence indicates that the variant is pathogenic, but additional data are needed to prove that conclusively. Therefore, this variant has been classified as Likely Pathogenic.

Laboratory for Molecular Medicine, Mass General Brigham Personalized Medicine
Classification: Uncertain significance. Last evaluated: 2012-06-26. Review status: flagged submission. Criteria: LMM Criteria. Collection method: clinical testing. Allele origin: germline. Observed: 1 variant allele. Not counted in ClinVar's aggregate classification.
Comment: Variant classified as Uncertain Significance - Favor Pathogenic. The Arg25617X variant leads to a prematu re termination codon at position 25617, which is predicted to lead to a truncate d or absent protein. Loss of function of the TTN gene is strongly associated wit h cardiomyopathy (DCM; Herman 2012). The Arg25617X variant is likely to severely impact the protein, but given that it has been detected in an individual with R CM (which is currently not associated with variants in TTN), additional studies are needed to determine its clinical significance.
ClinVar note: Reason: Older and outlier claim with insufficient supporting evidence

Literature cited by the submitters: PubMed 22335739 (cited by Ambry Genetics); PubMed 25589632 (cited by Ambry Genetics and Labcorp Genetics (formerly Invitae), Labcorp); PubMed 27869827 (cited by Ambry Genetics); PubMed 32964742 (cited by Ambry Genetics); PubMed 39844436 (cited by Ambry Genetics); PubMed 33226272 (cited by Women's Health and Genetics/Laboratory Corporation of America, LabCorp); PubMed 39020067 (cited by Women's Health and Genetics/Laboratory Corporation of America, LabCorp); PubMed 23975875 (cited by Labcorp Genetics (formerly Invitae), Labcorp).